The following is an entry in ClinVar:

NM_001048174.2(MUTYH):c.1132T>C (p.Ser378Pro)

Gene: MUTYH (mutY DNA glycosylase; minus strand). Cytogenetic location: 1p34.1.
Variant type: single nucleotide variant.
Coding change: c.1132T>C on transcript NM_001048174.2 (MANE Select); coding-DNA position 1132, T replaced by C.
Protein change: p.Ser378Pro; replaces serine 378 with proline.
Molecular consequence: missense variant. On other transcripts: non-coding transcript variant (2).
Genome position (GRCh38, 1-based): chr1:45,331,527, A>G on the plus strand (T>C on the coding strand, the complement: MUTYH is on the minus strand). VCF-style: chr1-45331527-A-G. GRCh37 (hg19) VCF-style: chr1-45797199-A-G.
Other names: c.1216T>C, p.Ser406Pro (NM_001128425.2); c.1177T>C, p.Ser393Pro (NM_001293190.2); c.1165T>C, p.Ser389Pro (NM_001293191.2); c.856T>C, p.Ser286Pro (NM_001293192.2, NM_001293196.2); c.1132T>C, p.Ser378Pro (NM_001293195.2, NM_001048171.2, NM_001048173.2); c.787T>C, p.Ser263Pro (NM_001350650.2, NM_001350651.2); c.1207T>C, p.Ser403Pro (NM_012222.3); c.1135T>C, p.Ser379Pro (NM_001048172.2); short protein forms S286P, S378P, S379P, S403P, S406P, S389P, S393P, S263P.
Identifiers: ClinVar variation 1513965 (VCV001513965.6), dbSNP rs2149121171, ClinGen allele CA340133085.

ClinVar aggregate classification (germline): Uncertain significance (1 of 4 stars; one submission).

Conditions:
Familial adenomatous polyposis 2. Also called: MUTYH-associated polyposis; MUTYH-related attenuated familial adenomatous polyposis; COLORECTAL ADENOMATOUS POLYPOSIS, AUTOSOMAL RECESSIVE; ADENOMAS, MULTIPLE COLORECTAL, AUTOSOMAL RECESSIVE; FAP type 2; MUTYH Polyposis. Identifiers: Orphanet 220460, Orphanet 247798, MedGen C3272841, MONDO:0012041, OMIM 608456.

Submission:

Labcorp Genetics (formerly Invitae), Labcorp
Classification: Uncertain significance for Familial adenomatous polyposis 2. Last evaluated: 2021-08-19. Review status: criteria provided, single submitter. Criteria: Invitae Variant Classification Sherloc (09022015). Collection method: clinical testing. Allele origin: germline.
Comment: This sequence change replaces serine with proline at codon 406 of the MUTYH protein (p.Ser406Pro). The serine residue is highly conserved and there is a moderate physicochemical difference between serine and proline. In summary, the available evidence is currently insufficient to determine the role of this variant in disease. Therefore, it has been classified as a Variant of Uncertain Significance. Algorithms developed to predict the effect of missense changes on protein structure and function are either unavailable or do not agree on the potential impact of this missense change (SIFT: "Deleterious"; PolyPhen-2: "Possibly Damaging"; Align-GVGD: "Class C0"). This variant has not been reported in the literature in individuals affected with MUTYH-related conditions. This variant is not present in population databases (ExAC no frequency).